The following is an entry in ClinVar:

NM_052867.4(NALCN):c.3183C>T (p.Phe1061=)

Gene: NALCN (sodium leak channel, non-selective; minus strand). Cytogenetic location: 13q32.3.
Variant type: single nucleotide variant.
Coding change: c.3183C>T on transcript NM_052867.4 (MANE Select); coding-DNA position 3183, C replaced by T.
Protein change: p.Phe1061=; no amino-acid change (phenylalanine 1061 retained).
Molecular consequence: synonymous variant.
Genome position (GRCh38, 1-based): chr13:101,095,660, G>A on the plus strand (C>T on the coding strand, the complement: NALCN is on the minus strand). VCF-style: chr13-101095660-G-A. GRCh37 (hg19) VCF-style: chr13-101748011-G-A.
Other names: c.3096C>T, p.Phe1032= (NM_001350750.2, NM_001350751.2); c.3270C>T, p.Phe1090= (NM_001350748.2); c.3183C>T, p.Phe1061= (NM_001350749.2).
Identifiers: ClinVar variation 1933152 (VCV001933152.6), dbSNP rs150705692, ClinGen allele CA7035466.

ClinVar aggregate classification (germline): Conflicting classifications of pathogenicity. Review status: criteria provided, conflicting classifications (1 of 4 stars). 2 submissions from 2 submitters: Uncertain significance (1); Likely benign (1). Last evaluated 2025-09-03.

Allele frequency attached by ClinVar (database versions not stated): TOPMed below 0.00001; ExAC 0.00001; gnomAD 0.00001; gnomAD exomes 0.00001; ESP Exome Variant Server 0.00008.
gnomAD v4.1: 20 of 1,612,400 alleles (0.0012%); highest among the groups gnomAD compares: Non-Finnish European, 0.0014%; no homozygotes.

Submissions (2):

Women's Health and Genetics/Laboratory Corporation of America, LabCorp
Classification: Likely benign. Last evaluated: 2025-09-03. Review status: criteria provided, single submitter. Criteria: LabCorp Variant Classification Summary - May 2015. Collection method: clinical testing. Allele origin: germline.

Labcorp Genetics (formerly Invitae), Labcorp
Classification: Uncertain significance. Last evaluated: 2022-10-31. Review status: criteria provided, single submitter. Criteria: Invitae Variant Classification Sherloc (09022015). Collection method: clinical testing. Allele origin: germline.
Comment: In summary, the available evidence is currently insufficient to determine the role of this variant in disease. Therefore, it has been classified as a Variant of Uncertain Significance. Algorithms developed to predict the effect of sequence changes on RNA splicing suggest that this variant may disrupt the consensus splice site. This variant has not been reported in the literature in individuals affected with NALCN-related conditions. This variant is present in population databases (rs150705692, gnomAD 0.002%). This sequence change affects codon 1061 of the NALCN mRNA. It is a 'silent' change, meaning that it does not change the encoded amino acid sequence of the NALCN protein.